The following is an entry in ClinVar:

ClinVar aggregate classification (germline): Uncertain significance (1 of 4 stars; one submission).

Submission:

GeneDx
Classification: Uncertain significance. Last evaluated: 2026-03-30. Review status: criteria provided, single submitter. Criteria: GeneDx Variant Classification Process June 2021. Collection method: clinical testing. Allele origin: germline.
Comment: Not observed at significant frequency in large population cohorts (gnomAD); In silico analysis suggests that this missense variant does not alter protein structure/function; Has not been previously published as pathogenic or benign to our knowledge

NM_001260.3(CDK8):c.991C>G (p.Gln331Glu)

Gene: CDK8 (cyclin dependent kinase 8; plus strand). Cytogenetic location: 13q12.13.
Variant type: single nucleotide variant.
Coding change: c.991C>G on transcript NM_001260.3 (MANE Select); coding-DNA position 991, C replaced by G.
Protein change: p.Gln331Glu; replaces glutamine 331 with glutamic acid.
Molecular consequence: missense variant.
Genome position (GRCh38, 1-based): chr13:26,400,510, C>G. VCF-style: chr13-26400510-C-G. GRCh37 (hg19) VCF-style: chr13-26974647-C-G.
Other names: c.991C>G, p.Gln331Glu (NM_001318368.2); c.472C>G, p.Gln158Glu (NM_001346501.2); short protein forms Q158E, Q331E.
Identifiers: ClinVar variation 5017851 (VCV005017851.1).